The following is an entry in ClinVar:

NM_004260.4(RECQL4):c.806G>A (p.Trp269Ter)

Gene: RECQL4 (RecQ like helicase 4; minus strand). Cytogenetic location: 8q24.3.
Variant type: single nucleotide variant.
Coding change: c.806G>A on transcript NM_004260.4 (MANE Select); coding-DNA position 806, G replaced by A.
Protein change: p.Trp269Ter; replaces tryptophan 269 with a stop codon.
Molecular consequence: nonsense.
Genome position (GRCh38, 1-based): chr8:144,516,313, C>T on the plus strand (G>A on the coding strand, the complement: RECQL4 is on the minus strand). VCF-style: chr8-144516313-C-T. GRCh37 (hg19) VCF-style: chr8-145741697-C-T.
Other names: short protein forms W269*.
Identifiers: ClinVar variation 6072 (VCV000006072.8), dbSNP rs137853231, ClinGen allele CA117928.
Genomic context (GRCh38, chr8:144,516,313, plus strand): 5'-GCCCCCTCCGATGGGGGTCCAGCTTGGCTGCTCTCCTGCTGGACCTGTGCGGGGCTCTCC[C>T]AGGGCTCCTCGTTCCATCTCCGCTTCTCGCCTCCACTGCTGCTGGGCTGGGGGCTCCCCA-3'

ClinVar aggregate classification (germline): Pathogenic. Review status: criteria provided, single submitter (1 of 4 stars). 2 submissions from 2 submitters: Pathogenic (1). 1 of the submissions does not count toward it. Last evaluated 2021-04-11.

Conditions:
Rapadilino syndrome. Identifiers: Orphanet 3021, MedGen C1849453, MONDO:0009955, OMIM 266280.
Baller-Gerold syndrome (BGS). Also called: CRANIOSYNOSTOSIS WITH RADIAL DEFECTS. Identifiers: Orphanet 1225, MedGen C0265308, MONDO:0009039, OMIM 218600.

Allele frequency attached by ClinVar (database versions not stated): ExAC 0.00001.
gnomAD v4.1: 6 of 1,609,950 alleles (0.00037%); highest among the groups gnomAD compares: Non-Finnish European, 0.00034%; no homozygotes.

Submissions (2):

Labcorp Genetics (formerly Invitae), Labcorp
Classification: Pathogenic for Baller-Gerold syndrome. Last evaluated: 2021-04-11. Review status: criteria provided, single submitter. Criteria: Invitae Variant Classification Sherloc (09022015). Collection method: clinical testing. Allele origin: germline.
Comment: For these reasons, this variant has been classified as Pathogenic. This variant has been observed in an individual affected with RAPADILINO syndrome who was also reported to carry another pathogenic RECQL4 variant in trans (PMID: 12952869). ClinVar contains an entry for this variant (Variation ID: 6072). This variant is present in population databases (rs137853231, ExAC 0.002%). This sequence change creates a premature translational stop signal (p.Trp269*) in the RECQL4 gene. It is expected to result in an absent or disrupted protein product. Loss-of-function variants in RECQL4 are known to be pathogenic (PMID: 12734318, 12952869).

OMIM
Classification: Pathogenic for RAPADILINO SYNDROME. Last evaluated: 2003-11-01. Review status: no assertion criteria provided. Collection method: literature only. Allele origin: germline. Not counted in ClinVar's aggregate classification.

Literature cited by the submitters: PubMed 12952869 (cited by Labcorp Genetics (formerly Invitae), Labcorp and OMIM); PubMed 12734318 (cited by Labcorp Genetics (formerly Invitae), Labcorp).